The following is an entry in ClinVar:

NM_001278624.2(NFXL1):c.2080-3C>G

Genes: CORIN-AS1 (CORIN and NFXL1 antisense RNA 1; plus strand), NFXL1 (nuclear transcription factor, X-box binding like 1; minus strand). Cytogenetic location: 4p12.
Variant type: single nucleotide variant.
Coding change: c.2080-3C>G on transcript NM_001278624.2 (MANE Select); 3 bases into the intron before coding-DNA position 2080, C replaced by G.
Molecular consequence: intron variant. On other transcripts: non-coding transcript variant (2).
Genome position (GRCh38, 1-based): chr4:47,875,296, G>C on the plus strand (C>G on the coding strand, the complement: NFXL1 is on the minus strand). VCF-style: chr4-47875296-G-C. GRCh37 (hg19) VCF-style: chr4-47877313-G-C.
Other names: NC_000004.11:g.47877313G>C; c.2080-3C>G (NM_001278623.1, NM_152995.6).
Identifiers: ClinVar variation 3042907 (VCV003042907.3), dbSNP rs61747431, ClinGen allele CA2910365.

ClinVar aggregate classification (germline): Benign (0 of 4 stars; one submission).

Conditions:
NFXL1-related disorder. Also called: NFXL1-related condition.

Allele frequency attached by ClinVar (database versions not stated): 1000 Genomes Project 0.00639; gnomAD 0.00650; 1000 Genomes Project 30x 0.00703; ESP Exome Variant Server 0.00707; TOPMed 0.00801; gnomAD exomes 0.00064; ExAC 0.00207.
gnomAD v4.1: 1,996 of 1,605,156 alleles (0.12%); highest among the groups gnomAD compares: African/African-American, 2.2%; 10 homozygotes.

Submissions (13):

PreventionGenetics, part of Exact Sciences
Classification: Benign for NFXL1-related condition. Last evaluated: 2019-04-26. Review status: no assertion criteria provided. Collection method: clinical testing. Allele origin: germline.
Comment: This variant is classified as benign based on ACMG/AMP sequence variant interpretation guidelines (Richards et al. 2015 PMID: 25741868, with internal and published modifications).

Dr. Peter K. Rogan Lab, Western University
No classification provided (evidence only). Condition: Lung cancer. Review status: no classification provided. Collection method: in vitro. Allele origin: not applicable. Functional consequence: skipped exon. Not counted in ClinVar's aggregate classification.

Dr. Peter K. Rogan Lab, Western University
No classification provided (evidence only). Condition: Lung cancer. Review status: no classification provided. Collection method: in vitro. Allele origin: not applicable. Functional consequence: retained intron. Not counted in ClinVar's aggregate classification.

Dr. Peter K. Rogan Lab, Western University
No classification provided (evidence only). Condition: Colon adenocarcinoma. Review status: no classification provided. Collection method: in vitro. Allele origin: not applicable. Functional consequence: retained intron. Not counted in ClinVar's aggregate classification.

Dr. Peter K. Rogan Lab, Western University
No classification provided (evidence only). Condition: Colon adenocarcinoma. Review status: no classification provided. Collection method: in vitro. Allele origin: not applicable. Functional consequence: retained intron. Not counted in ClinVar's aggregate classification.

Dr. Peter K. Rogan Lab, Western University
No classification provided (evidence only). Condition: Colorectal cancer. Review status: no classification provided. Collection method: in vitro. Allele origin: not applicable. Functional consequence: retained intron. Not counted in ClinVar's aggregate classification.

Dr. Peter K. Rogan Lab, Western University
No classification provided (evidence only). Condition: Uterine corpus endometrial carcinoma. Review status: no classification provided. Collection method: in vitro. Allele origin: not applicable. Functional consequence: retained intron. Not counted in ClinVar's aggregate classification.

Dr. Peter K. Rogan Lab, Western University
No classification provided (evidence only). Condition: Cervical cancer. Review status: no classification provided. Collection method: in vitro. Allele origin: not applicable. Functional consequence: retained intron. Not counted in ClinVar's aggregate classification.

Dr. Peter K. Rogan Lab, Western University
No classification provided (evidence only). Condition: Cervical cancer. Review status: no classification provided. Collection method: in vitro. Allele origin: not applicable. Functional consequence: retained intron. Not counted in ClinVar's aggregate classification.

Dr. Peter K. Rogan Lab, Western University
No classification provided (evidence only). Condition: Cervical cancer. Review status: no classification provided. Collection method: in vitro. Allele origin: not applicable. Functional consequence: retained intron. Not counted in ClinVar's aggregate classification.

Dr. Peter K. Rogan Lab, Western University
No classification provided (evidence only). Condition: Cervical cancer. Review status: no classification provided. Collection method: in vitro. Allele origin: not applicable. Functional consequence: retained intron. Not counted in ClinVar's aggregate classification.

Dr. Peter K. Rogan Lab, Western University
No classification provided (evidence only). Condition: Sarcoma. Review status: no classification provided. Collection method: in vitro. Allele origin: not applicable. Functional consequence: retained intron. Not counted in ClinVar's aggregate classification.

Dr. Peter K. Rogan Lab, Western University
No classification provided (evidence only). Condition: Chronic lymphocytic leukemia/small lymphocytic lymphoma. Review status: no classification provided. Collection method: in vitro. Allele origin: not applicable. Functional consequence: skipped exon, retained intron. Not counted in ClinVar's aggregate classification.